The following is an entry in ClinVar:

ClinVar aggregate classification (germline): Conflicting classifications of pathogenicity. Review status: criteria provided, conflicting classifications (1 of 4 stars). 5 submissions from 5 submitters: Uncertain significance (4); Benign (1). Last evaluated 2025-09-05.

Conditions:
Hereditary nonpolyposis colorectal neoplasms. Identifiers: MedGen C0009405, MeSH D003123.
Lynch syndrome. Identifiers: Orphanet 144, MedGen C4552100, MONDO:0005835. Disease mechanism: loss of function.
Hereditary cancer-predisposing syndrome. Also called: Neoplastic Syndromes, Hereditary; Tumor predisposition; Hereditary Cancer Syndrome; Hereditary neoplastic syndrome. Identifiers: Orphanet 140162, MedGen C0027672, MeSH D009386, MONDO:0015356.

Allele frequency attached by ClinVar (database versions not stated): ExAC 0.00001; gnomAD exomes 0.00001.
gnomAD v4.1: 2 of 1,614,036 alleles (0.00012%); highest among the groups gnomAD compares: East Asian, 0.0045%; no homozygotes.

Submissions (5):

GeneDx
Classification: Uncertain significance. Last evaluated: 2025-09-05. Review status: criteria provided, single submitter. Criteria: GeneDx Variant Classification Process June 2021. Collection method: clinical testing. Allele origin: germline. Affected: yes.
Comment: Not observed at significant frequency in large population cohorts (gnomAD); In silico analysis supports that this missense variant has a deleterious effect on protein structure/function; This variant is associated with the following publications: (PMID: 36243179, 17531815, 21120944, 29192238)

Labcorp Genetics (formerly Invitae), Labcorp
Classification: Benign for Hereditary nonpolyposis colorectal neoplasms. Last evaluated: 2025-06-11. Review status: criteria provided, single submitter. Criteria: Invitae Variant Classification Sherloc (09022015). Collection method: clinical testing. Allele origin: germline.

Ambry Genetics
Classification: Uncertain significance for Hereditary cancer-predisposing syndrome. Last evaluated: 2025-03-10. Review status: criteria provided, single submitter. Criteria: Ambry Variant Classification Scheme 2023. Collection method: clinical testing. Allele origin: germline.
Comment: The p.G1072V variant (also known as c.3215G>T), located in coding exon 5 of the MSH6 gene, results from a G to T substitution at nucleotide position 3215. The glycine at codon 1072 is replaced by valine, an amino acid with dissimilar properties. This alteration was observed in a Japanese population cohort of 2049 individuals who underwent whole-genome sequencing (Yamaguchi-Kabata Y et al. J Hum Genet, 2018 Feb;63:213-230). This amino acid position is well conserved in available vertebrate species. In addition, this alteration is predicted to be deleterious by in silico analysis. Based on the available evidence, the clinical significance of this variant remains unclear.

All of Us Research Program, National Institutes of Health
Classification: Uncertain significance for Lynch syndrome. Last evaluated: 2023-11-20. Review status: criteria provided, single submitter. Criteria: ACMG Guidelines, 2015. Collection method: clinical testing. Allele origin: germline. Inheritance: Autosomal dominant inheritance. Observed: 1 variant allele, 1 heterozygote.
Comment: This missense variant replaces glycine with valine at codon 1072 of the MSH6 protein. Computational prediction suggests that this variant may have deleterious impact on protein structure and function (internally defined REVEL score threshold >= 0.7, PMID: 27666373). To our knowledge, functional studies have not been reported for this variant. This variant has not been reported in individuals affected with MSH6-related disorders in the literature. This variant has been identified in 2/251364 chromosomes in the general population by the Genome Aggregation Database (gnomAD). The available evidence is insufficient to determine the role of this variant in disease conclusively. Therefore, this variant is classified as a Variant of Uncertain Significance.

This study involves interpretation of variants in research participants for the purpose of population health screening. Participant phenotype was not available at the time of variant classification. Additional details can be found in publication PMID: 35346344, PMCID: PMC8962531

Color Diagnostics, LLC DBA Color Health
Classification: Uncertain significance for Hereditary cancer-predisposing syndrome. Last evaluated: 2023-10-25. Review status: criteria provided, single submitter. Criteria: ACMG Guidelines, 2015. Collection method: clinical testing. Allele origin: germline.
Comment: This missense variant replaces glycine with valine at codon 1072 of the MSH6 protein. Computational prediction suggests that this variant may have deleterious impact on protein structure and function. To our knowledge, functional studies have not been reported for this variant. This variant has not been reported in individuals affected with MSH6-related disorders in the literature. This variant has been identified in 2/251364 chromosomes in the general population by the Genome Aggregation Database (gnomAD). The available evidence is insufficient to determine the role of this variant in disease conclusively. Therefore, this variant is classified as a Variant of Uncertain Significance.

Literature cited by the submitters: PubMed 29192238 (cited by Ambry Genetics).

NM_000179.3(MSH6):c.3215G>T (p.Gly1072Val)

Gene: MSH6 (mutS homolog 6; plus strand). Cytogenetic location: 2p16.3.
Variant type: single nucleotide variant.
Coding change: c.3215G>T on transcript NM_000179.3 (MANE Select); coding-DNA position 3215, G replaced by T.
Protein change: p.Gly1072Val; replaces glycine 1072 with valine.
Molecular consequence: missense variant.
Genome position (GRCh38, 1-based): chr2:47,803,462, G>T. VCF-style: chr2-47803462-G-T. GRCh37 (hg19) VCF-style: chr2-48030601-G-T.
Other names: c.2825G>T, p.Gly942Val (NM_001281492.2); c.2309G>T, p.Gly770Val (NM_001281493.2, NM_001281494.2); short protein forms G1072V, G770V, G942V.
Identifiers: ClinVar variation 187384 (VCV000187384.20), dbSNP rs781243845, ClinGen allele CA011990.